The following is an entry in ClinVar:

NM_006904.7(PRKDC):c.10288A>G (p.Asn3430Asp)

Gene: PRKDC (protein kinase, DNA-activated, catalytic subunit; minus strand). Cytogenetic location: 8q11.21.
Variant type: single nucleotide variant.
Coding change: c.10288A>G on transcript NM_006904.7 (MANE Select); coding-DNA position 10288, A replaced by G.
Protein change: p.Asn3430Asp; replaces asparagine 3430 with aspartic acid.
Molecular consequence: missense variant.
Genome position (GRCh38, 1-based): chr8:47,799,219, T>C on the plus strand (A>G on the coding strand, the complement: PRKDC is on the minus strand). VCF-style: chr8-47799219-T-C. GRCh37 (hg19) VCF-style: chr8-48711780-T-C.
Other names: c.10288A>G, p.Asn3430Asp (NM_001081640.2); short protein forms N3430D.
Identifiers: ClinVar variation 3425411 (VCV003425411.1).

ClinVar aggregate classification (germline): Uncertain significance (1 of 4 stars; one submission).

Submission:

Ambry Genetics
Classification: Uncertain significance. Last evaluated: 2024-11-16. Review status: criteria provided, single submitter. Criteria: Ambry Variant Classification Scheme 2023. Collection method: clinical testing. Allele origin: germline.
Comment: The p.N3430D variant (also known as c.10288A>G), located in coding exon 72 of the PRKDC gene, results from an A to G substitution at nucleotide position 10288. The asparagine at codon 3430 is replaced by aspartic acid, an amino acid with highly similar properties. This amino acid position is conserved. In addition, this alteration is predicted to be tolerated by in silico analysis. Based on the available evidence, the clinical significance of this variant remains unclear.